The following is an entry in ClinVar:

NM_000492.4(CFTR):c.13C>T (p.Pro5Ser)

Gene: CFTR (CF transmembrane conductance regulator; plus strand). Cytogenetic location: 7q31.2.
Variant type: single nucleotide variant.
Coding change: c.13C>T on transcript NM_000492.4 (MANE Select); coding-DNA position 13, C replaced by T.
Protein change: p.Pro5Ser; replaces proline 5 with serine.
Molecular consequence: missense variant.
Genome position (GRCh38, 1-based): chr7:117,480,107, C>T. VCF-style: chr7-117480107-C-T. GRCh37 (hg19) VCF-style: chr7-117120161-C-T.
Other names: short protein forms P5S.
Identifiers: ClinVar variation 2913712 (VCV002913712.4), dbSNP rs2484928867, ClinGen allele CA368981177.

ClinVar aggregate classification (germline): Conflicting classifications of pathogenicity. Review status: criteria provided, conflicting classifications (1 of 4 stars). 2 submissions from 2 submitters: Likely pathogenic (1); Uncertain significance (1). Last evaluated 2025-12-29.

Conditions:
Cystic fibrosis (CF). Also called: MUCOVISCIDOSIS. Identifiers: Orphanet 586, MedGen C0010674, MONDO:0009061, OMIM 219700. Disease mechanism: loss of function.

Submissions (2):

Women's Health and Genetics/Laboratory Corporation of America, LabCorp
Classification: Uncertain significance. Last evaluated: 2025-12-29. Review status: criteria provided, single submitter. Criteria: LabCorp Variant Classification Summary - May 2015. Collection method: clinical testing. Allele origin: germline.
Comment: Variant summary: CFTR c.13C>T (p.Pro5Ser) results in a non-conservative amino acid change in the encoded protein sequence. Algorithms developed to predict the effect of missense changes on protein structure and function all suggest that this variant is likely to be disruptive. The variant was absent in 251160 control chromosomes. The available data on variant occurrences in the general population are insufficient to allow any conclusion about variant significance. To our knowledge, no occurrence of c.13C>T in individuals affected with CFTR-related conditions and no experimental evidence demonstrating its impact on protein function have been reported. ClinVar contains an entry for this variant (Variation ID: 2913712). Based on the evidence outlined above, the variant was classified as uncertain significance.

Labcorp Genetics (formerly Invitae), Labcorp
Classification: Likely pathogenic for Cystic fibrosis. Last evaluated: 2023-09-21. Review status: criteria provided, single submitter. Criteria: Invitae Variant Classification Sherloc (09022015). Collection method: clinical testing. Allele origin: germline.
Comment: In summary, the currently available evidence indicates that the variant is pathogenic, but additional data are needed to prove that conclusively. Therefore, this variant has been classified as Likely Pathogenic. This sequence change replaces proline, which is neutral and non-polar, with serine, which is neutral and polar, at codon 5 of the CFTR protein (p.Pro5Ser). This variant disrupts the p.Pro5 amino acid residue in CFTR. Other variant(s) that disrupt this residue have been determined to be pathogenic (PMID: 18306312, 21520337, 21983161, 25910067, 29805046). This suggests that this residue is clinically significant, and that variants that disrupt this residue are likely to be disease-causing. Advanced modeling of protein sequence and biophysical properties (such as structural, functional, and spatial information, amino acid conservation, physicochemical variation, residue mobility, and thermodynamic stability) performed at Invitae indicates that this missense variant is expected to disrupt CFTR protein function. This variant has not been reported in the literature in individuals affected with CFTR-related conditions. This variant is not present in population databases (gnomAD no frequency).

Literature cited by the submitters: PubMed 18306312 (cited by Labcorp Genetics (formerly Invitae), Labcorp); PubMed 21520337 (cited by Labcorp Genetics (formerly Invitae), Labcorp); PubMed 21983161 (cited by Labcorp Genetics (formerly Invitae), Labcorp); PubMed 25910067 (cited by Labcorp Genetics (formerly Invitae), Labcorp); PubMed 29805046 (cited by Labcorp Genetics (formerly Invitae), Labcorp).